The following is an entry in ClinVar:

NM_000419.5(ITGA2B):c.2770C>T (p.Gln924Ter)

Gene: ITGA2B (integrin subunit alpha 2b; minus strand). Cytogenetic location: 17q21.31.
Variant type: single nucleotide variant.
Coding change: c.2770C>T on transcript NM_000419.5 (MANE Select); coding-DNA position 2770, C replaced by T.
Protein change: p.Gln924Ter; replaces glutamine 924 with a stop codon.
Molecular consequence: nonsense.
Genome position (GRCh38, 1-based): chr17:44,375,069, G>A on the plus strand (C>T on the coding strand, the complement: ITGA2B is on the minus strand). VCF-style: chr17-44375069-G-A. GRCh37 (hg19) VCF-style: chr17-42452437-G-A.
Other names: NM_000419.5:c.2770C>T; short protein forms Q924*.
Identifiers: ClinVar variation 1691475 (VCV001691475.2), dbSNP rs2143432066, ClinGen allele CA399792054.

ClinVar aggregate classification (germline): Pathogenic (3 of 4 stars; one submission).

Conditions:
Glanzmann thrombasthenia. Also called: PLATELET GLYCOPROTEIN IIb-IIIa DEFICIENCY; Glanzmann's thrombasthenia; BLEEDING DISORDER, PLATELET-TYPE, 2; THROMBASTHENIA OF GLANZMANN AND NAEGELI; Thrombasthenia. Identifiers: Orphanet 849, MedGen C0040015, MONDO:0100326.

Allele frequency attached by ClinVar (database versions not stated): gnomAD exomes below 0.00001.
gnomAD v4.1: 3 of 1,548,544 alleles (0.00019%); highest among the groups gnomAD compares: Non-Finnish European, 0.00026%; no homozygotes.

Submission:

ClinGen Platelet Disorders Variant Curation Expert Panel, ClinGen
Classification: Pathogenic for Glanzmann thrombasthenia. Last evaluated: 2022-04-18. Review status: reviewed by expert panel. Criteria: ClinGen Platelet ACMG Specifications v2-1. Collection method: curation. Allele origin: germline. Inheritance: Autosomal recessive inheritance.
Comment: The NM_000419.5(ITGA2B):c.2770C>T (p.Gln924Ter) nonsense variant in exon 27/30 is predicted to lead to nonsense mediated decay in a gene in which loss-of-function is an established disease mechanism (PVS1). At least one patient (GT15 in PMID: 25728920) with this variant displayed mucocutaneous bleeding and impaired aggregation with all agonists except ristocetin, which is highly specific for Glanzmann thrombasthenia. Additionally, alphaIIb surface expression was absent, as measured by flow cytometry (PP4_strong). This variant is absent from gnomAD v2.1.1 (PM2_Supporting). In summary this variant meets criteria to be classified as Pathogenic for autosomal recessive Glanzmann Thrombasthenia based on the ACMG/AMP criteria applied, as specified by the ClinGen PD VCEP: PVS1, PP4_strong, PM2_supporting. (VCEP specifications version 2.1)